The following is an entry in ClinVar:

NM_006059.4(LAMC3):c.3946G>T (p.Ala1316Ser)

Gene: LAMC3 (laminin subunit gamma 3; plus strand). Cytogenetic location: 9q34.12.
Variant type: single nucleotide variant.
Coding change: c.3946G>T on transcript NM_006059.4 (MANE Select); coding-DNA position 3946, G replaced by T.
Protein change: p.Ala1316Ser; replaces alanine 1316 with serine.
Molecular consequence: missense variant.
Genome position (GRCh38, 1-based): chr9:131,082,077, G>T. VCF-style: chr9-131082077-G-T. GRCh37 (hg19) VCF-style: chr9-133957464-G-T.
Other names: short protein forms A1316S.
Identifiers: ClinVar variation 1356038 (VCV001356038.3), dbSNP rs756530877, ClinGen allele CA5287997.

ClinVar aggregate classification (germline): Uncertain significance (1 of 4 stars; one submission).

Allele frequency attached by ClinVar (database versions not stated): ExAC 0.00003; TOPMed 0.00003; gnomAD exomes 0.00004.
gnomAD v4.1: 10 of 1,613,880 alleles (0.00062%); highest among the groups gnomAD compares: Admixed American, 0.017%; no homozygotes.

Submission:

Labcorp Genetics (formerly Invitae), Labcorp
Classification: Uncertain significance. Last evaluated: 2022-07-24. Review status: criteria provided, single submitter. Criteria: Invitae Variant Classification Sherloc (09022015). Collection method: clinical testing. Allele origin: germline.
Comment: This sequence change replaces alanine, which is neutral and non-polar, with serine, which is neutral and polar, at codon 1316 of the LAMC3 protein (p.Ala1316Ser). This variant is present in population databases (rs756530877, gnomAD 0.03%). This variant has not been reported in the literature in individuals affected with LAMC3-related conditions. ClinVar contains an entry for this variant (Variation ID: 1356038). Algorithms developed to predict the effect of missense changes on protein structure and function (SIFT, PolyPhen-2, Align-GVGD) all suggest that this variant is likely to be tolerated. In summary, the available evidence is currently insufficient to determine the role of this variant in disease. Therefore, it has been classified as a Variant of Uncertain Significance.